The following is an entry in ClinVar:

NM_005267.5(GJA8):c.139G>C (p.Asp47His)

Gene: GJA8 (gap junction protein alpha 8; plus strand). Cytogenetic location: 1q21.2.
Variant type: single nucleotide variant.
Coding change: c.139G>C on transcript NM_005267.5 (MANE Select); coding-DNA position 139, G replaced by C.
Protein change: p.Asp47His; replaces aspartic acid 47 with histidine.
Molecular consequence: missense variant.
Genome position (GRCh38, 1-based): chr1:147,908,094, G>C. VCF-style: chr1-147908094-G-C. GRCh37 (hg19) VCF-style: chr1-147380221-G-C.
Other names: short protein forms D47H.
Identifiers: ClinVar variation 280147 (VCV000280147.5), dbSNP rs121434643, ClinGen allele CA10602735.

ClinVar aggregate classification (germline): Pathogenic/Likely pathogenic. Review status: criteria provided, multiple submitters, no conflicts (2 of 4 stars). 2 submissions from 2 submitters: Pathogenic (1); Likely pathogenic (1). Last evaluated 2023-01-21.

Conditions:
Cataract 1 multiple types. Also called: CATARACT 1, MULTIPLE TYPES, WITH OR WITHOUT MICROCORNEA; CATARACT 1, NUCLEAR PROGRESSIVE; CATARACT, DUFFY-LINKED; CATARACT 1, POSTERIOR SUBCAPSULAR, WITH MICROCORNEA; CATARACT 1, STELLATE NUCLEAR, WITH MICROCORNEA; CATARACT 1 WITH MICROCORNEA. Identifiers: Orphanet 1377, MedGen C1861828, MONDO:0007285, OMIM 116200.

Submissions (2):

Dept. Genetics and Cancer, Menzies Institute for Medical Research, University of Tasmania
Classification: Likely pathogenic for Cataract 1 multiple types. Last evaluated: 2023-01-21. Review status: criteria provided, single submitter. Criteria: ACMG Guidelines, 2015. Collection method: curation. Allele origin: germline. Affected: yes.
Comment: Variant identified and curated during a GJA8 specific review of the literature in relation to pediatric or congenital cataract. ACMG-AMP criteria applied: PP1(Strong), PS4(Supporting), PM1(Supporting), PM2(Supporting), PP3. Original variant report: PMID:23592913;30890130. The cataract phenotype/s reported for this variant are: Nuclear and zonular pulverulent with Y-sutural opacities. Gene review and curation guidelines are outlined in: DOI 10.1080/17469899.2023.2160320

GeneDx
Classification: Pathogenic. Last evaluated: 2019-11-22. Review status: criteria provided, single submitter. Criteria: GeneDx Variant Classification Process June 2021. Collection method: clinical testing. Allele origin: germline. Affected: yes.
Comment: Not observed in large population cohorts (Lek et al., 2016); In silico analysis, which includes protein predictors and evolutionary conservation, supports a deleterious effect; This variant is associated with the following publications: (PMID: 25003127, 23592913, 30890130)

Literature cited by the submitters: PubMed 23592913 (cited by Dept. Genetics and Cancer, Menzies Institute for Medical Research, University of Tasmania); PubMed 30890130 (cited by Dept. Genetics and Cancer, Menzies Institute for Medical Research, University of Tasmania).